The following is an entry in ClinVar:

ClinVar aggregate classification (germline): Benign (1 of 4 stars; one submission).

Conditions:
Hereditary diffuse leukoencephalopathy with spheroids. Also called: LEUKOENCEPHALOPATHY, ADULT-ONSET, WITH AXONAL SPHEROIDS AND PIGMENTED GLIA. Identifiers: Orphanet 313808, MedGen C3711381, MONDO:0030796.

Allele frequency attached by ClinVar (database versions not stated): 1000 Genomes Project 0.00040; gnomAD 0.00052 and 0.00058; gnomAD exomes 0.00018; 1000 Genomes Project 30x 0.00047; TOPMed 0.00077.
gnomAD v4.1: 94 of 232,490 alleles (0.04%); highest among the groups gnomAD compares: African/African-American, 0.17%; 1 homozygote.

Submission:

Illumina Laboratory Services, Illumina
Classification: Benign for Leukoencephalopathy, diffuse hereditary, with spheroids 1. Last evaluated: 2018-01-13. Review status: criteria provided, single submitter. Criteria: ICSL Variant Classification Criteria 13 December 2019. Collection method: clinical testing. Allele origin: germline.
Comment: This variant was observed in the ICSL laboratory as part of a predisposition screen in an ostensibly healthy population. It had not been previously curated by ICSL or reported in the Human Gene Mutation Database (HGMD: prior to June 1st, 2018), and was therefore a candidate for classification through an automated scoring system. Utilizing variant allele frequency, disease prevalence and penetrance estimates, and inheritance mode, an automated score was calculated to assess if this variant is too frequent to cause the disease. Based on the score and internal cut-off values, a variant classified as benign is not then subjected to further curation. The score for this variant resulted in a classification of benign for this disease.

NM_001288705.3(CSF1R):c.*774A>G

Gene: CSF1R (colony stimulating factor 1 receptor; minus strand). Cytogenetic location: 5q32.
Variant type: single nucleotide variant.
Coding change: c.*774A>G on transcript NM_001288705.3 (MANE Select); 774 bases downstream of the stop codon, A replaced by G.
Molecular consequence: 3 prime UTR variant. On other transcripts: non-coding transcript variant (2).
Genome position (GRCh38, 1-based): chr5:150,053,295, T>C on the plus strand (A>G on the coding strand, the complement: CSF1R is on the minus strand). VCF-style: chr5-150053295-T-C. GRCh37 (hg19) VCF-style: chr5-149432858-T-C.
Other names: c.*774A>G (NM_001349736.2, NM_001375320.1, NM_001375321.1 and 1 more transcripts).
Identifiers: ClinVar variation 352099 (VCV000352099.5), dbSNP rs371174880, ClinGen allele CA10623655.